The following is an entry in ClinVar:

ClinVar aggregate classification (germline): Uncertain significance (1 of 4 stars; one submission).

Conditions:
Facioscapulohumeral muscular dystrophy 2 (FSHD2). Also called: MUSCULAR DYSTROPHY, FACIOSCAPULOHUMERAL, TYPE 1B; FACIOSCAPULOHUMERAL MUSCULAR DYSTROPHY 2, DIGENIC; FSHD2, DIGENIC. Identifiers: Orphanet 269, MedGen C1834671, MONDO:0008031, OMIM 158901.

Allele frequency attached by ClinVar (database versions not stated): gnomAD exomes 0.00001.
gnomAD v4.1: 13 of 1,469,234 alleles (0.00088%); highest among the groups gnomAD compares: South Asian, 0.016%; 1 homozygote.

Submission:

Labcorp Genetics (formerly Invitae), Labcorp
Classification: Uncertain significance for Facioscapulohumeral muscular dystrophy 2. Last evaluated: 2023-09-14. Review status: criteria provided, single submitter. Criteria: Invitae Variant Classification Sherloc (09022015). Collection method: clinical testing. Allele origin: germline.
Comment: In summary, the available evidence is currently insufficient to determine the role of this variant in disease. Therefore, it has been classified as a Variant of Uncertain Significance. Advanced modeling of protein sequence and biophysical properties (such as structural, functional, and spatial information, amino acid conservation, physicochemical variation, residue mobility, and thermodynamic stability) performed at Invitae indicates that this missense variant is expected to disrupt SMCHD1 protein function. This variant has not been reported in the literature in individuals affected with SMCHD1-related conditions. This variant is present in population databases (rs770593719, gnomAD 0.02%). This sequence change replaces glutamic acid, which is acidic and polar, with glycine, which is neutral and non-polar, at codon 280 of the SMCHD1 protein (p.Glu280Gly).

NM_015295.3(SMCHD1):c.839A>G (p.Glu280Gly)

Gene: SMCHD1 (structural maintenance of chromosomes flexible hinge domain containing 1; plus strand). Cytogenetic location: 18p11.32.
Variant type: single nucleotide variant.
Coding change: c.839A>G on transcript NM_015295.3 (MANE Select); coding-DNA position 839, A replaced by G.
Protein change: p.Glu280Gly; replaces glutamic acid 280 with glycine.
Molecular consequence: missense variant.
Genome position (GRCh38, 1-based): chr18:2,688,713, A>G. VCF-style: chr18-2688713-A-G. GRCh37 (hg19) VCF-style: chr18-2688711-A-G.
Other names: short protein forms E280G.
Identifiers: ClinVar variation 2868754 (VCV002868754.3), dbSNP rs770593719, ClinGen allele CA8870645.
Genomic context (GRCh38, chr18:2,688,713, plus strand): 5'-AAGATGTTCACGAGCTTGTGCTTTCTAAAGAAGATTTTGAGAAGAAGGAGAAAAATAAAG[A>G]GGCAATATATAGTGGATATATTAGAAACAGAAAGGTACAATACATTTTAACTCATAATTA-3'
Protein context (NP_056110.2, residues 270-290): EDFEKKEKNK[Glu280Gly]AIYSGYIRNR